The following is an entry in ClinVar:

ClinVar aggregate classification (germline): Likely benign (0 of 4 stars; one submission).

Conditions:
NUP93-related disorder. Also called: NUP93-related condition.

Allele frequency attached by ClinVar (database versions not stated): 1000 Genomes Project 30x 0.00031; 1000 Genomes Project 0.00040.
gnomAD v4.1: 121 of 1,595,518 alleles (0.0076%); highest among the groups gnomAD compares: East Asian, 0.19%; no homozygotes.

Submission:

PreventionGenetics, part of Exact Sciences
Classification: Likely benign for NUP93-related condition. Last evaluated: 2019-08-22. Review status: no assertion criteria provided. Collection method: clinical testing. Allele origin: germline.
Comment: This variant is classified as likely benign based on ACMG/AMP sequence variant interpretation guidelines (Richards et al. 2015 PMID: 25741868, with internal and published modifications).

NM_014669.5(NUP93):c.960G>A (p.Ala320=)

Gene: NUP93 (nucleoporin 93; plus strand). Cytogenetic location: 16q13.
Variant type: single nucleotide variant.
Coding change: c.960G>A on transcript NM_014669.5 (MANE Select); coding-DNA position 960, G replaced by A.
Protein change: p.Ala320=; no amino-acid change (alanine 320 retained).
Molecular consequence: synonymous variant.
Genome position (GRCh38, 1-based): chr16:56,830,560, G>A. VCF-style: chr16-56830560-G-A. GRCh37 (hg19) VCF-style: chr16-56864472-G-A.
Other names: c.591G>A, p.Ala197= (NM_001242795.2, NM_001242796.2).
Identifiers: ClinVar variation 3053725 (VCV003053725.2), dbSNP rs139266728, ClinGen allele CA8068287.
Genomic context (GRCh38, chr16:56,830,560, plus strand): 5'-TTTGAGCACTTAACTGTTCCTCTTTTAGGATGGAGAGGTGGAAGGCCATCCTGTGTGGGC[G>A]CTAATTTACTACTGCATGCGCTGTGGAGACCTGCTTGCCGCTTCACAGGTAGTTAATCGA-3'
Protein context (NP_055484.3, residues 310-330): DGEVEGHPVW[Ala320=]LIYYCMRCGD